The following is an entry in ClinVar:

NM_003839.4(TNFRSF11A):c.1381G>T (p.Val461Leu)

Gene: TNFRSF11A (TNF receptor superfamily member 11a; plus strand). Cytogenetic location: 18q21.33.
Variant type: single nucleotide variant.
Coding change: c.1381G>T on transcript NM_003839.4 (MANE Select); coding-DNA position 1381, G replaced by T.
Protein change: p.Val461Leu; replaces valine 461 with leucine.
Molecular consequence: missense variant. On other transcripts: intron variant (3).
Genome position (GRCh38, 1-based): chr18:62,369,298, G>T. VCF-style: chr18-62369298-G-T. GRCh37 (hg19) VCF-style: chr18-60036531-G-T.
Other names: c.1339G>T, p.Val447Leu (NM_001278268.2); c.783+2538G>T (NM_001270949.2); c.730+7505G>T (NM_001270950.2); c.616+9249G>T (NM_001270951.2); short protein forms V447L, V461L.
Identifiers: ClinVar variation 1719797 (VCV001719797.5), dbSNP rs35184120, ClinGen allele CA402617864.

ClinVar aggregate classification (germline): Uncertain significance (1 of 4 stars; one submission).

Submission:

Labcorp Genetics (formerly Invitae), Labcorp
Classification: Uncertain significance. Last evaluated: 2022-09-23. Review status: criteria provided, single submitter. Criteria: Invitae Variant Classification Sherloc (09022015). Collection method: clinical testing. Allele origin: germline.
Comment: This sequence change replaces valine, which is neutral and non-polar, with leucine, which is neutral and non-polar, at codon 461 of the TNFRSF11A protein (p.Val461Leu). This variant is not present in population databases (gnomAD no frequency). This variant has not been reported in the literature in individuals affected with TNFRSF11A-related conditions. Algorithms developed to predict the effect of missense changes on protein structure and function output the following: SIFT: "Tolerated"; PolyPhen-2: "Benign"; Align-GVGD: "Class C0". The leucine amino acid residue is found in multiple mammalian species, which suggests that this missense change does not adversely affect protein function. In summary, the available evidence is currently insufficient to determine the role of this variant in disease. Therefore, it has been classified as a Variant of Uncertain Significance.